The following is an entry in ClinVar:

ClinVar aggregate classification (germline): Uncertain significance (1 of 4 stars; one submission).

Conditions:
Familial cold autoinflammatory syndrome 3 (FCAS3). Also called: FAMILIAL ATYPICAL COLD URTICARIA; ANTIBODY DEFICIENCY AND IMMUNE DYSREGULATION, PLCG2-ASSOCIATED. Identifiers: Orphanet 300359, MedGen C3280914, MONDO:0013766, OMIM 614468.

gnomAD v4.1: 2 of 1,612,682 alleles (0.00012%); highest among the groups gnomAD compares: Non-Finnish European, 0.00017%; no homozygotes.

Submission:

Labcorp Genetics (formerly Invitae), Labcorp
Classification: Uncertain significance for Familial cold autoinflammatory syndrome 3. Last evaluated: 2024-08-31. Review status: criteria provided, single submitter. Criteria: Invitae Variant Classification Sherloc (09022015). Collection method: clinical testing. Allele origin: germline.
Comment: This sequence change replaces isoleucine, which is neutral and non-polar, with valine, which is neutral and non-polar, at codon 346 of the PLCG2 protein (p.Ile346Val). This variant is not present in population databases (gnomAD no frequency). This variant has not been reported in the literature in individuals affected with PLCG2-related conditions. An algorithm developed to predict the effect of missense changes on protein structure and function outputs the following: PolyPhen-2: "Benign". The valine amino acid residue is found in multiple mammalian species, which suggests that this missense change does not adversely affect protein function. In summary, the available evidence is currently insufficient to determine the role of this variant in disease. Therefore, it has been classified as a Variant of Uncertain Significance.

NM_002661.5(PLCG2):c.1036A>G (p.Ile346Val)

Gene: PLCG2 (phospholipase C gamma 2; plus strand). Cytogenetic location: 16q23.3.
Variant type: single nucleotide variant.
Coding change: c.1036A>G on transcript NM_002661.5 (MANE Select); coding-DNA position 1036, A replaced by G.
Protein change: p.Ile346Val; replaces isoleucine 346 with valine.
Molecular consequence: missense variant.
Genome position (GRCh38, 1-based): chr16:81,893,758, A>G. VCF-style: chr16-81893758-A-G. GRCh37 (hg19) VCF-style: chr16-81927363-A-G.
Other names: c.1036A>G, p.Ile346Val (NM_001425749.1, NM_001425750.1, NM_001425751.1); short protein forms I346V.
Identifiers: ClinVar variation 3717496 (VCV003717496.2).
Genomic context (GRCh38, chr16:81,893,758, plus strand): 5'-CTCTCCTGCAGGTACCTTACAGGTGACCAGCTGCGGAGCGAGTCGTCCCCAGAAGCTTAC[A>G]TCCGCTGCCTGCGCATGGGCTGTCGCTGCATTGAACGTGAGTAGCTCCTTCTTGGTGGAG-3'
Protein context (NP_002652.2, residues 336-356): LRSESSPEAY[Ile346Val]RCLRMGCRCI